The following is an entry in ClinVar:

NM_000090.4(COL3A1):c.470C>T (p.Ser157Leu)

Gene: COL3A1 (collagen type III alpha 1 chain; plus strand). Cytogenetic location: 2q32.2.
Variant type: single nucleotide variant.
Coding change: c.470C>T on transcript NM_000090.4 (MANE Select); coding-DNA position 470, C replaced by T.
Protein change: p.Ser157Leu; replaces serine 157 with leucine.
Molecular consequence: missense variant.
Genome position (GRCh38, 1-based): chr2:188,987,081, C>T. VCF-style: chr2-188987081-C-T. GRCh37 (hg19) VCF-style: chr2-189851807-C-T.
Other names: short protein forms S157L.
Identifiers: ClinVar variation 4757678 (VCV004757678.1).

ClinVar aggregate classification (germline): Uncertain significance (1 of 4 stars; one submission).

Conditions:
Familial thoracic aortic aneurysm and aortic dissection (TAAD). Also called: Thoracic aortic aneurysms and dissections. Identifiers: Orphanet 91387, MedGen C4707243, MONDO:0019625.

Submission:

Color Diagnostics, LLC DBA Color Health
Classification: Uncertain significance for Familial thoracic aortic aneurysm and aortic dissection. Last evaluated: 2025-07-20. Review status: criteria provided, single submitter. Criteria: ACMG Guidelines, 2015. Collection method: clinical testing. Allele origin: germline.
Comment: This missense variant replaces serine with leucine at codon 157 of the COL3A1 protein. Computational prediction suggests that this variant may not impact protein structure and function. To our knowledge, functional studies have not been reported for this variant. This variant has not been reported in individuals affected with COL3A1-related disorders in the literature. This variant has not been identified in the general population by the Genome Aggregation Database (gnomAD). The available evidence is insufficient to determine the role of this variant in disease conclusively. Therefore, this variant is classified as a Variant of Uncertain Significance.